The following is an entry in ClinVar:

ClinVar aggregate classification (germline): Likely benign. Review status: criteria provided, multiple submitters, no conflicts (2 of 4 stars). 2 submissions from 2 submitters: Likely benign (2). Last evaluated 2025-10-13.

Allele frequency attached by ClinVar (database versions not stated): gnomAD 0.00001; ExAC 0.00002; gnomAD exomes 0.00002 and 0.00004; TOPMed 0.00002.
gnomAD v4.1: 28 of 1,612,974 alleles (0.0017%); highest among the groups gnomAD compares: East Asian, 0.0022%; no homozygotes.

Submissions (2):

Labcorp Genetics (formerly Invitae), Labcorp
Classification: Likely benign. Last evaluated: 2025-10-13. Review status: criteria provided, single submitter. Criteria: Invitae Variant Classification Sherloc (09022015). Collection method: clinical testing. Allele origin: germline.

CeGaT Center for Human Genetics Tuebingen
Classification: Likely benign. Last evaluated: 2023-10-01. Review status: criteria provided, single submitter. Criteria: CeGaT Center For Human Genetics Tuebingen Variant Classification Criteria Version 2. Collection method: clinical testing. Allele origin: germline. Affected: yes. Observed: 1 variant allele.
Comment: AHDC1: BS2

NM_001371928.1(AHDC1):c.2437C>T (p.Arg813Cys)

Gene: AHDC1 (AT-hook DNA binding motif containing 1; minus strand). Cytogenetic location: 1p36.11.
Variant type: single nucleotide variant.
Coding change: c.2437C>T on transcript NM_001371928.1 (MANE Select); coding-DNA position 2437, C replaced by T.
Protein change: p.Arg813Cys; replaces arginine 813 with cysteine.
Molecular consequence: missense variant.
Genome position (GRCh38, 1-based): chr1:27,549,679, G>A on the plus strand (C>T on the coding strand, the complement: AHDC1 is on the minus strand). VCF-style: chr1-27549679-G-A. GRCh37 (hg19) VCF-style: chr1-27876190-G-A.
Other names: c.2437C>T, p.Arg813Cys (NM_001029882.3); short protein forms R813C.
Identifiers: ClinVar variation 1592767 (VCV001592767.32), dbSNP rs753828804, ClinGen allele CA715765.
Genomic context (GRCh38, chr1:27,549,679, plus strand): 5'-GGCGCTCCTGGCTGAGCTCGGTCTGGCCTGAGGGTGCACCCGTGCTGTAGTAGCTGCCAC[G>A]GCCTGAGGCTCCACTCTCCAGCCCAGTGGAGGCAAAGGCCCGGGCCTCGGTCCCCTGAAA-3'
Protein context (NP_001358857.1, residues 803-823): STGLESGASG[Arg813Cys]GSYYSTGAPS